The following is an entry in ClinVar:

NM_203447.4(DOCK8):c.6068+4A>G

Gene: DOCK8 (dedicator of cytokinesis 8; plus strand). Cytogenetic location: 9p24.3.
Variant type: single nucleotide variant.
Coding change: c.6068+4A>G on transcript NM_203447.4 (MANE Select); 4 bases into the intron after coding-DNA position 6068, A replaced by G.
Molecular consequence: intron variant.
Genome position (GRCh38, 1-based): chr9:452,121, A>G. VCF-style: chr9-452121-A-G. GRCh37 (hg19) VCF-style: chr9-452121-A-G.
Other names: c.5864+4A>G (NM_001193536.2); c.5768+4A>G (NM_001190458.2).
Identifiers: ClinVar variation 2132230 (VCV002132230.2), dbSNP rs2537523361, ClinGen allele CA2580080175.

ClinVar aggregate classification (germline): Uncertain significance (1 of 4 stars; one submission).

Conditions:
Hyper-IgE recurrent infection syndrome 3, autosomal recessive. Also called: Autosomal recessive hyper-IgE syndrome due to ZNF341 deficiency; HYPER-IgE SYNDROME 3, AUTOSOMAL RECESSIVE, WITH RECURRENT INFECTIONS. Identifiers: Orphanet 641368, MedGen C4748969, MONDO:0032654, OMIM 618282.

Allele frequency attached by ClinVar (database versions not stated): gnomAD exomes below 0.00001.
gnomAD v4.1: 1 of 1,596,298 alleles (0.000063%); highest among the groups gnomAD compares: Non-Finnish European, 0.000086%; no homozygotes.

Submission:

Labcorp Genetics (formerly Invitae), Labcorp
Classification: Uncertain significance for Combined immunodeficiency due to DOCK8 deficiency. Last evaluated: 2022-04-30. Review status: criteria provided, single submitter. Criteria: Invitae Variant Classification Sherloc (09022015). Collection method: clinical testing. Allele origin: germline.
Comment: In summary, the available evidence is currently insufficient to determine the role of this variant in disease. Therefore, it has been classified as a Variant of Uncertain Significance. Variants that disrupt the consensus splice site are a relatively common cause of aberrant splicing (PMID: 17576681, 9536098). Algorithms developed to predict the effect of sequence changes on RNA splicing suggest that this variant may disrupt the consensus splice site. This sequence change falls in intron 46 of the DOCK8 gene. It does not directly change the encoded amino acid sequence of the DOCK8 protein. It affects a nucleotide within the consensus splice site. This variant is not present in population databases (gnomAD no frequency). This variant has not been reported in the literature in individuals affected with DOCK8-related conditions.

Literature cited by the submitters: PubMed 17576681; PubMed 9536098.